The following is an entry in ClinVar:

ClinVar aggregate classification (germline): Uncertain significance (1 of 4 stars; one submission).

Conditions:
Capillary malformation-arteriovenous malformation syndrome. Also called: Capillary malformation-arteriovenous malformation. Identifiers: Orphanet 137667, MedGen C1842180, MONDO:0012016.

gnomAD v4.1: 2 of 1,611,462 alleles (0.00012%); no homozygotes.

Submission:

Labcorp Genetics (formerly Invitae), Labcorp
Classification: Uncertain significance for Capillary malformation-arteriovenous malformation syndrome. Last evaluated: 2025-09-01. Review status: criteria provided, single submitter. Criteria: Invitae Variant Classification Sherloc (09022015). Collection method: clinical testing. Allele origin: germline.
Comment: This sequence change replaces leucine, which is neutral and non-polar, with arginine, which is basic and polar, at codon 752 of the RASA1 protein (p.Leu752Arg). This variant is present in population databases (no rsID available, gnomAD 0.03%). This variant has not been reported in the literature in individuals affected with RASA1-related conditions. An algorithm developed to predict the effect of missense changes on protein structure and function (PolyPhen-2) suggests that this variant is likely to be disruptive. In summary, the available evidence is currently insufficient to determine the role of this variant in disease. Therefore, it has been classified as a Variant of Uncertain Significance.

NM_002890.3(RASA1):c.2255T>G (p.Leu752Arg)

Genes: CCNH (cyclin H; minus strand), RASA1 (RAS p21 protein activator 1; plus strand). Cytogenetic location: 5q14.3.
Variant type: single nucleotide variant.
Coding change: c.2255T>G on transcript NM_002890.3 (MANE Select); coding-DNA position 2255, T replaced by G.
Protein change: p.Leu752Arg; replaces leucine 752 with arginine.
Molecular consequence: missense variant. On other transcripts: intron variant (1).
Genome position (GRCh38, 1-based): chr5:87,376,951, T>G. VCF-style: chr5-87376951-T-G. GRCh37 (hg19) VCF-style: chr5-86672768-T-G.
Other names: c.1724T>G, p.Leu575Arg (NM_022650.3); c.933+18093A>C (NM_001364075.2); short protein forms L575R, L752R.
Identifiers: ClinVar variation 4726485 (VCV004726485.1).